The following is an entry in ClinVar:

NM_003896.4(ST3GAL5):c.592A>T (p.Ile198Phe)

Gene: ST3GAL5 (ST3 beta-galactoside alpha-2,3-sialyltransferase 5; minus strand). Cytogenetic location: 2p11.2.
Variant type: single nucleotide variant.
Coding change: c.592A>T on transcript NM_003896.4 (MANE Select); coding-DNA position 592, A replaced by T.
Protein change: p.Ile198Phe; replaces isoleucine 198 with phenylalanine.
Molecular consequence: missense variant. On other transcripts: 5 prime UTR variant (1).
Genome position (GRCh38, 1-based): chr2:85,847,931, T>A on the plus strand (A>T on the coding strand, the complement: ST3GAL5 is on the minus strand). VCF-style: chr2-85847931-T-A. GRCh37 (hg19) VCF-style: chr2-86075054-T-A.
Other names: c.523A>T, p.Ile175Phe (NM_001042437.2); c.208A>T, p.Ile70Phe (NM_001354223.2, NM_001354224.2, NM_001354226.2 and 3 more transcripts); c.508A>T, p.Ile170Phe (NM_001354227.2, NM_001354229.2, NM_001354238.1); c.-313A>T (NM_001354247.1); c.592A>T, p.Ile198Phe (NM_001363847.1); short protein forms I198F, I70F, I170F, I175F.
Identifiers: ClinVar variation 1450204 (VCV001450204.6), dbSNP rs2103958837, ClinGen allele CA347531891.

ClinVar aggregate classification (germline): Uncertain significance (1 of 4 stars; one submission).

Conditions:
GM3 synthase deficiency (SPDRS). Also called: SALT AND PEPPER DEVELOPMENTAL REGRESSION SYNDROME; AMISH INFANTILE EPILEPSY SYNDROME; SALT AND PEPPER MENTAL RETARDATION SYNDROME. Identifiers: Orphanet 171714, Orphanet 370933, MedGen C1836824, MONDO:0018274, OMIM 609056.

Submission:

Labcorp Genetics (formerly Invitae), Labcorp
Classification: Uncertain significance for GM3 synthase deficiency. Last evaluated: 2022-08-23. Review status: criteria provided, single submitter. Criteria: Invitae Variant Classification Sherloc (09022015). Collection method: clinical testing. Allele origin: germline.
Comment: This variant has not been reported in the literature in individuals affected with ST3GAL5-related conditions. This sequence change replaces isoleucine, which is neutral and non-polar, with phenylalanine, which is neutral and non-polar, at codon 198 of the ST3GAL5 protein (p.Ile198Phe). This variant is not present in population databases (gnomAD no frequency). ClinVar contains an entry for this variant (Variation ID: 1450204). Algorithms developed to predict the effect of missense changes on protein structure and function are either unavailable or do not agree on the potential impact of this missense change (SIFT: "Deleterious"; PolyPhen-2: "Possibly Damaging"; Align-GVGD: "Class C0"). In summary, the available evidence is currently insufficient to determine the role of this variant in disease. Therefore, it has been classified as a Variant of Uncertain Significance.